The following is an entry in ClinVar:

NM_000443.4(ABCB4):c.2042T>C (p.Leu681Pro)

Gene: ABCB4 (ATP binding cassette subfamily B member 4; minus strand). Cytogenetic location: 7q21.12.
Variant type: single nucleotide variant.
Coding change: c.2042T>C on transcript NM_000443.4 (MANE Select); coding-DNA position 2042, T replaced by C.
Protein change: p.Leu681Pro; replaces leucine 681 with proline.
Molecular consequence: missense variant.
Genome position (GRCh38, 1-based): chr7:87,426,772, A>G on the plus strand (T>C on the coding strand, the complement: ABCB4 is on the minus strand). VCF-style: chr7-87426772-A-G. GRCh37 (hg19) VCF-style: chr7-87056088-A-G.
Other names: c.2042T>C, p.Leu681Pro (NM_018849.3, NM_018850.3); short protein forms L681P.
Identifiers: ClinVar variation 3973128 (VCV003973128.2).

ClinVar aggregate classification (germline): Uncertain significance. Review status: criteria provided, multiple submitters, no conflicts (2 of 4 stars). 2 submissions from 2 submitters: Uncertain significance (2). Last evaluated 2026-08-14.

Conditions:
Inborn genetic diseases. Identifiers: MedGen C0950123, MeSH D030342.
ABCB4-related disorder. Also called: ABCB4-related disorders; ABCB4-related condition.

gnomAD v4.1: 13 of 1,613,908 alleles (0.00081%); highest among the groups gnomAD compares: African/African-American, 0.016%; no homozygotes.

Submissions (2):

PreventionGenetics, part of Exact Sciences
Classification: Uncertain significance for ABCB4-related condition. Last evaluated: 2026-08-14. Review status: criteria provided, single submitter. Criteria: ACMG Guidelines, 2015. Collection method: clinical testing. Allele origin: germline.
Comment: The ABCB4 c.2042T>C variant is predicted to result in the amino acid substitution p.Leu681Pro. To our knowledge, this variant has not been reported in the literature. This variant is reported in 0.016% of alleles in individuals of African descent in gnomAD. At this time, the clinical significance of this variant is uncertain due to the absence of conclusive functional and genetic evidence.

Ambry Genetics
Classification: Uncertain significance for Inborn genetic diseases. Last evaluated: 2025-05-14. Review status: criteria provided, single submitter. Criteria: Ambry Variant Classification Scheme 2023. Collection method: clinical testing. Allele origin: germline.